The following is an entry in ClinVar:

ClinVar aggregate classification (germline): Uncertain significance (1 of 4 stars; one submission).

gnomAD v4.1: 4 of 1,585,770 alleles (0.00025%); highest among the groups gnomAD compares: South Asian, 0.0022%; no homozygotes.

Submission:

Ambry Genetics
Classification: Uncertain significance. Last evaluated: 2024-05-30. Review status: criteria provided, single submitter. Criteria: Ambry Variant Classification Scheme 2023. Collection method: clinical testing. Allele origin: germline.
Comment: The c.4032+3G>A intronic variant results from a G to A substitution 3 nucleotides after coding exon 36 in the KIF1B gene. This nucleotide position is not well conserved in available vertebrate species. In silico splice site analysis predicts that this alteration will not have any significant effect on splicing. The evidence for this gene-disease relationship is limited; therefore, the clinical significance of this alteration is unclear.

NM_001365951.3(KIF1B):c.4170+3G>A

Gene: KIF1B (kinesin family member 1B; plus strand). Cytogenetic location: 1p36.22.
Variant type: single nucleotide variant.
Coding change: c.4170+3G>A on transcript NM_001365951.3 (MANE Select); 3 bases into the intron after coding-DNA position 4170, G replaced by A.
Molecular consequence: intron variant.
Genome position (GRCh38, 1-based): chr1:10,361,046, G>A. VCF-style: chr1-10361046-G-A. GRCh37 (hg19) VCF-style: chr1-10421104-G-A.
Other names: c.4032+3G>A (NM_015074.3); c.4170+3G>A (NM_001365952.1).
Identifiers: ClinVar variation 3288353 (VCV003288353.1).